The following is an entry in ClinVar:

ClinVar aggregate classification (germline): Uncertain significance (1 of 4 stars; one submission).

Conditions:
Charcot-Marie-Tooth disease axonal type 2Z. Also called: CHARCOT-MARIE-TOOTH DISEASE, AXONAL, AUTOSOMAL DOMINANT, TYPE 2Z; CHARCOT-MARIE-TOOTH NEUROPATHY, TYPE 2Z. Identifiers: Orphanet 466768, MedGen C5569025, MONDO:0014736, OMIM 616688.

Allele frequency attached by ClinVar (database versions not stated): gnomAD exomes below 0.00001.
gnomAD v4.1: 1 of 1,613,976 alleles (0.000062%); highest among the groups gnomAD compares: South Asian, 0.0011%; no homozygotes.

Submission:

Labcorp Genetics (formerly Invitae), Labcorp
Classification: Uncertain significance for Charcot-Marie-Tooth disease axonal type 2Z. Last evaluated: 2022-07-25. Review status: criteria provided, single submitter. Criteria: Invitae Variant Classification Sherloc (09022015). Collection method: clinical testing. Allele origin: germline.
Comment: In summary, the available evidence is currently insufficient to determine the role of this variant in disease. Therefore, it has been classified as a Variant of Uncertain Significance. This sequence change replaces leucine, which is neutral and non-polar, with arginine, which is basic and polar, at codon 205 of the MORC2 protein (p.Leu205Arg). This variant is not present in population databases (gnomAD no frequency). This variant has not been reported in the literature in individuals affected with MORC2-related conditions. ClinVar contains an entry for this variant (Variation ID: 542287). Advanced modeling of protein sequence and biophysical properties (such as structural, functional, and spatial information, amino acid conservation, physicochemical variation, residue mobility, and thermodynamic stability) performed at Invitae indicates that this missense variant is expected to disrupt MORC2 protein function.

NM_001303256.3(MORC2):c.800T>G (p.Leu267Arg)

Gene: MORC2 (MORC family CW-type zinc finger 2; minus strand). Cytogenetic location: 22q12.2.
Variant type: single nucleotide variant.
Coding change: c.800T>G on transcript NM_001303256.3 (MANE Select); coding-DNA position 800, T replaced by G.
Protein change: p.Leu267Arg; replaces leucine 267 with arginine.
Molecular consequence: missense variant.
Genome position (GRCh38, 1-based): chr22:30,941,457, A>C on the plus strand (T>G on the coding strand, the complement: MORC2 is on the minus strand). VCF-style: chr22-30941457-A-C. GRCh37 (hg19) VCF-style: chr22-31337444-A-C.
Other names: c.800T>G, p.Leu267Arg (NM_001303257.2); c.614T>G, p.Leu205Arg (NM_014941.3); short protein forms L267R, L205R.
Identifiers: ClinVar variation 542287 (VCV000542287.10), dbSNP rs1555939986, ClinGen allele CA411241139.